The following is an entry in ClinVar:

ClinVar aggregate classification (germline): Likely pathogenic (1 of 4 stars; one submission).

Conditions:
PURA-related severe neonatal hypotonia-seizures-encephalopathy syndrome (NEDRIHF). Also called: NEURODEVELOPMENTAL DISORDER WITH NEONATAL RESPIRATORY INSUFFICIENCY, HYPOTONIA, AND FEEDING DIFFICULTIES; PURA-Related Neurodevelopmental Disorders. Identifiers: Orphanet 438213, Orphanet 438216, MedGen C4015357, MONDO:1060108, OMIM 616158, MONDO:0018580.

Submission:

3billion
Classification: Likely pathogenic for PURA-related severe neonatal hypotonia-seizures-encephalopathy syndrome. Last evaluated: 2023-12-03. Review status: criteria provided, single submitter. Criteria: ACMG Guidelines, 2015. Collection method: clinical testing. Allele origin: germline. Affected: yes.
Comment: The variant is not observed in the gnomAD v2.1.1 dataset. Predicted Consequence/Location: Frameshift: predicted to result in a loss or disruption of normal protein function through protein truncation. Multiple pathogenic variants are reported in the predicted truncated region. Therefore, this variant is classified as Likely pathogenic according to the recommendation of ACMG/AMP guideline.

NM_005859.5(PURA):c.333del (p.Asp112fs)

Gene: PURA (purine rich element binding protein A; plus strand). Cytogenetic location: 5q31.3.
Variant type: Deletion.
Coding change: c.333del on transcript NM_005859.5 (MANE Select); coding-DNA position 333, one base deleted (C; older notation c.333delC).
Protein change: p.Asp112fs; shifts the reading frame from aspartic acid 112.
Molecular consequence: frameshift variant.
Genome position (GRCh38, 1-based): chr5:140,114,514, C deleted. VCF-style (leftmost placement, unchanged base first): chr5-140114513-GC-G. GRCh37 (hg19) VCF-style: chr5-139494098-GC-G.
Other names: short protein forms D112fs.
Identifiers: ClinVar variation 3776279 (VCV003776279.1).